The following is an entry in ClinVar:

NM_001130987.2(DYSF):c.92-3T>C

Gene: DYSF (dysferlin; plus strand). Cytogenetic location: 2p13.2.
Variant type: single nucleotide variant.
Coding change: c.92-3T>C on transcript NM_001130987.2 (MANE Select); 3 bases into the intron before coding-DNA position 92, T replaced by C.
Molecular consequence: intron variant.
Genome position (GRCh38, 1-based): chr2:71,480,880, T>C. VCF-style: chr2-71480880-T-C. GRCh37 (hg19) VCF-style: chr2-71708010-T-C.
Other names: c.92-3T>C (NM_001130985.2, NM_001130983.2, NM_001130455.2 and 3 more transcripts); c.89-3T>C (NM_001130979.2, NM_001130981.2, NM_001130980.2 and 4 more transcripts).
Identifiers: ClinVar variation 387288 (VCV000387288.6), dbSNP rs367833503, ClinGen allele CA1705216.

ClinVar aggregate classification (germline): Conflicting classifications of pathogenicity. Review status: criteria provided, conflicting classifications (1 of 4 stars). 2 submissions from 2 submitters: Uncertain significance (1); Likely benign (1). Last evaluated 2022-06-27.

Conditions:
Neuromuscular disease caused by qualitative or quantitative defects of dysferlin. Also called: Dysferlinopathy; Qualitative or quantitative defects of dysferlin. Identifiers: Orphanet 207073, MedGen C2931687, MONDO:0016145.

Allele frequency attached by ClinVar (database versions not stated): gnomAD exomes 0.00001 and 0.00002; ExAC 0.00005; TOPMed 0.00010; gnomAD 0.00013; ESP Exome Variant Server 0.00023.
gnomAD v4.1: 37 of 1,613,758 alleles (0.0023%); highest among the groups gnomAD compares: African/African-American, 0.036%; no homozygotes.

Submissions (2):

Labcorp Genetics (formerly Invitae), Labcorp
Classification: Uncertain significance for Neuromuscular disease caused by qualitative or quantitative defects of dysferlin. Last evaluated: 2022-06-27. Review status: criteria provided, single submitter. Criteria: Invitae Variant Classification Sherloc (09022015). Collection method: clinical testing. Allele origin: germline.
Comment: This sequence change falls in intron 1 of the DYSF gene. It does not directly change the encoded amino acid sequence of the DYSF protein. It affects a nucleotide within the consensus splice site. This variant is present in population databases (rs367833503, gnomAD 0.03%). This variant has not been reported in the literature in individuals affected with DYSF-related conditions. ClinVar contains an entry for this variant (Variation ID: 387288). Variants that disrupt the consensus splice site are a relatively common cause of aberrant splicing (PMID: 17576681, 9536098). Algorithms developed to predict the effect of sequence changes on RNA splicing suggest that this variant is not likely to affect RNA splicing. In summary, the available evidence is currently insufficient to determine the role of this variant in disease. Therefore, it has been classified as a Variant of Uncertain Significance.

GeneDx
Classification: Likely benign. Last evaluated: 2016-07-28. Review status: criteria provided, single submitter. Criteria: GeneDx Variant Classification (06012015). Collection method: clinical testing. Allele origin: germline. Affected: yes.
Comment: This variant is considered likely benign or benign based on one or more of the following criteria: it is a conservative change, it occurs at a poorly conserved position in the protein, it is predicted to be benign by multiple in silico algorithms, and/or has population frequency not consistent with disease.

Literature cited by the submitters: PubMed 17576681 (cited by Labcorp Genetics (formerly Invitae), Labcorp); PubMed 9536098 (cited by Labcorp Genetics (formerly Invitae), Labcorp).